The following is an entry in ClinVar:

ClinVar aggregate classification (germline): Uncertain significance. Review status: criteria provided, multiple submitters, no conflicts (2 of 4 stars). 2 submissions from 2 submitters: Uncertain significance (2). Last evaluated 2024-12-12.

Conditions:
Hereditary cancer-predisposing syndrome. Also called: Hereditary Cancer Syndrome; Neoplastic Syndromes, Hereditary; Hereditary neoplastic syndrome; Tumor predisposition. Identifiers: Orphanet 140162, MedGen C0027672, MeSH D009386, MONDO:0015356.
Tuberous sclerosis 1 (TSC1). Identifiers: Orphanet 805, MedGen C1854465, MONDO:0008612, OMIM 191100.

Submissions (2):

Ambry Genetics
Classification: Uncertain significance for Hereditary cancer-predisposing syndrome. Last evaluated: 2024-12-12. Review status: criteria provided, single submitter. Criteria: Ambry Variant Classification Scheme 2023. Collection method: clinical testing. Allele origin: germline.
Comment: The p.V376D variant (also known as c.1127T>A), located in coding exon 9 of the TSC1 gene, results from a T to A substitution at nucleotide position 1127. The valine at codon 376 is replaced by aspartic acid, an amino acid with highly dissimilar properties. This amino acid position is not well conserved in available vertebrate species. In addition, the in silico prediction for this alteration is inconclusive. Based on the available evidence, the clinical significance of this variant remains unclear.

Labcorp Genetics (formerly Invitae), Labcorp
Classification: Uncertain significance for Tuberous sclerosis 1. Last evaluated: 2022-02-25. Review status: criteria provided, single submitter. Criteria: Invitae Variant Classification Sherloc (09022015). Collection method: clinical testing. Allele origin: germline.
Comment: In summary, the available evidence is currently insufficient to determine the role of this variant in disease. Therefore, it has been classified as a Variant of Uncertain Significance. Algorithms developed to predict the effect of missense changes on protein structure and function are either unavailable or do not agree on the potential impact of this missense change (SIFT: "Deleterious"; PolyPhen-2: "Benign"; Align-GVGD: "Class C0"). ClinVar contains an entry for this variant (Variation ID: 822229). This variant has not been reported in the literature in individuals affected with TSC1-related conditions. This variant is not present in population databases (gnomAD no frequency). This sequence change replaces valine, which is neutral and non-polar, with aspartic acid, which is acidic and polar, at codon 376 of the TSC1 protein (p.Val376Asp).

NM_000368.5(TSC1):c.1127T>A (p.Val376Asp)

Gene: TSC1 (TSC complex subunit 1; minus strand). Cytogenetic location: 9q34.13.
Variant type: single nucleotide variant.
Coding change: c.1127T>A on transcript NM_000368.5 (MANE Select); coding-DNA position 1127, T replaced by A.
Protein change: p.Val376Asp; replaces valine 376 with aspartic acid.
Molecular consequence: missense variant.
Genome position (GRCh38, 1-based): chr9:132,911,016, A>T on the plus strand (T>A on the coding strand, the complement: TSC1 is on the minus strand). VCF-style: chr9-132911016-A-T. GRCh37 (hg19) VCF-style: chr9-135786403-A-T.
Other names: c.1127T>A, p.Val376Asp (NM_001162426.2); c.974T>A, p.Val325Asp (NM_001162427.2); c.764T>A, p.Val255Asp (NM_001362177.2); short protein forms V255D, V325D, V376D.
Identifiers: ClinVar variation 822229 (VCV000822229.13), dbSNP rs1588322703, ClinGen allele CA375367340.